The following is an entry in ClinVar:

NM_005359.6(SMAD4):c.75C>T (p.Cys25=)

Gene: SMAD4 (SMAD family member 4; plus strand). Cytogenetic location: 18q21.2.
Variant type: single nucleotide variant.
Coding change: c.75C>T on transcript NM_005359.6 (MANE Select); coding-DNA position 75, C replaced by T.
Protein change: p.Cys25=; no amino-acid change (cysteine 25 retained).
Molecular consequence: synonymous variant.
Genome position (GRCh38, 1-based): chr18:51,047,121, C>T. VCF-style: chr18-51047121-C-T. GRCh37 (hg19) VCF-style: chr18-48573491-C-T.
Identifiers: ClinVar variation 484811 (VCV000484811.17), dbSNP rs1555685008, ClinGen allele CA503873424.

ClinVar aggregate classification (germline): Benign/Likely benign. Review status: criteria provided, multiple submitters, no conflicts (2 of 4 stars). 3 submissions from 3 submitters: Benign (1); Likely benign (2). Last evaluated 2025-03-18.

Conditions:
Juvenile polyposis syndrome (JPS). Identifiers: Orphanet 2929, MedGen C0345893, MONDO:0017380, OMIM 174900.
Hereditary cancer-predisposing syndrome. Also called: Hereditary neoplastic syndrome; Tumor predisposition; Neoplastic Syndromes, Hereditary; Hereditary Cancer Syndrome. Identifiers: Orphanet 140162, MedGen C0027672, MeSH D009386, MONDO:0015356.
Familial thoracic aortic aneurysm and aortic dissection (TAAD). Also called: Thoracic aortic aneurysms and dissections. Identifiers: Orphanet 91387, MedGen C4707243, MONDO:0019625.
Juvenile polyposis/hereditary hemorrhagic telangiectasia syndrome (JPHT). Also called: Juvenile Polyposis Syndrome / Hereditary Hemorrhagic Telangiectasia (JPS/HHT); JP/HHT SYNDROME; JUVENILE POLYPOSIS WITH HEREDITARY HEMORRHAGIC TELANGIECTASIA; POLYPOSIS, GENERALIZED JUVENILE, WITH PULMONARY ARTERIOVENOUS MALFORMATION; TELANGIECTASIA, HEREDITARY HEMORRHAGIC, WITH JUVENILE POLYPOSIS COLI. Identifiers: Orphanet 2929, MedGen C1832942, MONDO:0008278, OMIM 175050.

Submissions (3):

Myriad Genetics, Inc.
Classification: Benign for Juvenile polyposis/hereditary hemorrhagic telangiectasia syndrome. Last evaluated: 2025-03-18. Review status: criteria provided, single submitter. Criteria: Myriad Autosomal Dominant, Autosomal Recessive and X-Linked Classification Criteria (2023). Collection method: clinical testing. Allele origin: unknown.
Comment: This variant is considered benign. This variant is a silent/synonymous amino acid change and it is not expected to impact splicing.

Labcorp Genetics (formerly Invitae), Labcorp
Classification: Likely benign for Juvenile polyposis syndrome. Last evaluated: 2019-07-06. Review status: criteria provided, single submitter. Criteria: Invitae Variant Classification Sherloc (09022015). Collection method: clinical testing. Allele origin: germline.

Ambry Genetics
Classification: Likely benign for Hereditary cancer-predisposing syndrome; Familial thoracic aortic aneurysm and aortic dissection. Last evaluated: 2016-09-27. Review status: criteria provided, single submitter. Criteria: Ambry Variant Classification Scheme 2023. Collection method: clinical testing. Allele origin: germline.